The following is an entry in ClinVar:

NM_001846.4(COL4A2):c.1822A>G (p.Ile608Val)

Gene: COL4A2 (collagen type IV alpha 2 chain; plus strand). Cytogenetic location: 13q34.
Variant type: single nucleotide variant.
Coding change: c.1822A>G on transcript NM_001846.4 (MANE Select); coding-DNA position 1822, A replaced by G.
Protein change: p.Ile608Val; replaces isoleucine 608 with valine.
Molecular consequence: missense variant.
Genome position (GRCh38, 1-based): chr13:110,465,450, A>G. VCF-style: chr13-110465450-A-G. GRCh37 (hg19) VCF-style: chr13-111117797-A-G.
Other names: short protein forms I608V.
Identifiers: ClinVar variation 3495486 (VCV003495486.3).
Genomic context (GRCh38, chr13:110,465,450, plus strand): 5'-TGAATTTTCACACAGGGTGATGGCATCAAGGGCCCTCCAGGGGACCCAGGCTATCCAGGA[A>G]TACCTGGAACGAAGGGTACTCCAGGAGAAATGGGCCCCCCAGGACTGGGCCTTCCCGGCC-3'
Protein context (NP_001837.2, residues 598-618): GPPGDPGYPG[Ile608Val]PGTKGTPGEM

ClinVar aggregate classification (germline): Uncertain significance. Review status: criteria provided, multiple submitters, no conflicts (2 of 4 stars). 2 submissions from 2 submitters: Uncertain significance (2). Last evaluated 2025-05-17.

Conditions:
Inborn genetic diseases. Identifiers: MedGen C0950123, MeSH D030342.

gnomAD v4.1: 8 of 1,613,748 alleles (0.0005%); highest among the groups gnomAD compares: African/African-American, 0.008%; no homozygotes.

Submissions (2):

Labcorp Genetics (formerly Invitae), Labcorp
Classification: Uncertain significance. Last evaluated: 2025-05-17. Review status: criteria provided, single submitter. Criteria: Invitae Variant Classification Sherloc (09022015). Collection method: clinical testing. Allele origin: germline.
Comment: This sequence change replaces isoleucine, which is neutral and non-polar, with valine, which is neutral and non-polar, at codon 608 of the COL4A2 protein (p.Ile608Val). This variant is not present in population databases (gnomAD no frequency). This variant has not been reported in the literature in individuals affected with COL4A2-related conditions. ClinVar contains an entry for this variant (Variation ID: 3495486). Invitae Evidence Modeling of protein sequence and biophysical properties (such as structural, functional, and spatial information, amino acid conservation, physicochemical variation, residue mobility, and thermodynamic stability) indicates that this missense variant is not expected to disrupt COL4A2 protein function with a negative predictive value of 95%. In summary, the available evidence is currently insufficient to determine the role of this variant in disease. Therefore, it has been classified as a Variant of Uncertain Significance.

Ambry Genetics
Classification: Uncertain significance for Inborn genetic diseases. Last evaluated: 2024-08-05. Review status: criteria provided, single submitter. Criteria: Ambry Variant Classification Scheme 2023. Collection method: clinical testing. Allele origin: germline.